The following is an entry in ClinVar:

NM_000702.4(ATP1A2):c.2284+18G>T

Gene: ATP1A2 (ATPase Na+/K+ transporting subunit alpha 2; plus strand). Cytogenetic location: 1q23.2.
Variant type: single nucleotide variant.
Coding change: c.2284+18G>T on transcript NM_000702.4 (MANE Select); 18 bases into the intron after coding-DNA position 2284, G replaced by T.
Molecular consequence: intron variant.
Genome position (GRCh38, 1-based): chr1:160,135,620, G>T. VCF-style: chr1-160135620-G-T. GRCh37 (hg19) VCF-style: chr1-160105410-G-T.
Identifiers: ClinVar variation 136453 (VCV000136453.10), dbSNP rs369835706, ClinGen allele CA289584.

ClinVar aggregate classification (germline): Benign. Review status: criteria provided, multiple submitters, no conflicts (2 of 4 stars). 6 submissions from 3 submitters: Benign (6). Last evaluated 2026-02-03.

Conditions:
Fetal akinesia, respiratory insufficiency, microcephaly, polymicrogyria, and dysmorphic facies. Identifiers: MedGen C5562015, MONDO:0859204, OMIM 619602.
Developmental and epileptic encephalopathy 98. Identifiers: MedGen C5562017, MONDO:0030472, OMIM 619605.
Familial hemiplegic migraine. Identifiers: MedGen C0338484, MONDO:0000700.
Alternating hemiplegia of childhood 1 (AHC1). Identifiers: Orphanet 2131, MedGen C3549447, MONDO:0007087, OMIM 104290.
Migraine, familial hemiplegic, 2. Identifiers: Orphanet 569, MedGen C1865322, MONDO:0011232, OMIM 602481.

Allele frequency attached by ClinVar (database versions not stated): ExAC 0.00028; 1000 Genomes Project 0.00060; 1000 Genomes Project 30x 0.00062; gnomAD 0.00092; TOPMed 0.00092; ESP Exome Variant Server 0.00100.
gnomAD v4.1: 396 of 1,613,182 alleles (0.025%); highest among the groups gnomAD compares: African/African-American, 0.33%; 1 homozygote.

Submissions (6):

Labcorp Genetics (formerly Invitae), Labcorp
Classification: Benign for Familial hemiplegic migraine. Last evaluated: 2026-02-03. Review status: criteria provided, single submitter. Criteria: Invitae Variant Classification Sherloc (09022015). Collection method: clinical testing. Allele origin: germline.

Genome-Nilou Lab
Classification: Benign for Alternating hemiplegia of childhood 1. Last evaluated: 2021-12-05. Review status: criteria provided, single submitter. Criteria: ACMG Guidelines, 2015. Collection method: clinical testing. Allele origin: germline. Affected: no.

Genome-Nilou Lab
Classification: Benign for Developmental and epileptic encephalopathy 98. Last evaluated: 2021-12-05. Review status: criteria provided, single submitter. Criteria: ACMG Guidelines, 2015. Collection method: clinical testing. Allele origin: germline. Affected: no.

Genome-Nilou Lab
Classification: Benign for Fetal akinesia, respiratory insufficiency, microcephaly, polymicrogyria, and dysmorphic facies. Last evaluated: 2021-12-05. Review status: criteria provided, single submitter. Criteria: ACMG Guidelines, 2015. Collection method: clinical testing. Allele origin: germline. Affected: no.

Genome-Nilou Lab
Classification: Benign for Migraine, familial hemiplegic, 2. Last evaluated: 2021-12-05. Review status: criteria provided, single submitter. Criteria: ACMG Guidelines, 2015. Collection method: clinical testing. Allele origin: germline. Affected: no.

GeneDx
Classification: Benign. Last evaluated: 2014-03-12. Review status: criteria provided, single submitter. Criteria: GeneDx Variant Classification (06012015). Collection method: clinical testing. Allele origin: germline. Affected: yes.
Comment: This variant is considered likely benign or benign based on one or more of the following criteria: it is a conservative change, it occurs at a poorly conserved position in the protein, it is predicted to be benign by multiple in silico algorithms, and/or has population frequency not consistent with disease.